The following is an entry in ClinVar:

ClinVar aggregate classification (germline): Uncertain significance. Review status: criteria provided, multiple submitters, no conflicts (2 of 4 stars). 2 submissions from 2 submitters: Uncertain significance (2). Last evaluated 2024-07-11.

Allele frequency attached by ClinVar (database versions not stated): TOPMed 0.00002; gnomAD 0.00003; ExAC 0.00005; gnomAD exomes 0.00006; ESP Exome Variant Server 0.00009.

Submissions (2):

Labcorp Genetics (formerly Invitae), Labcorp
Classification: Uncertain significance. Last evaluated: 2024-07-11. Review status: criteria provided, single submitter. Criteria: Invitae Variant Classification Sherloc (09022015). Collection method: clinical testing. Allele origin: germline.
Comment: This sequence change replaces glycine, which is neutral and non-polar, with serine, which is neutral and polar, at codon 313 of the SH3KBP1 protein (p.Gly313Ser). This variant is present in population databases (rs201337827, gnomAD 0.01%). This variant has not been reported in the literature in individuals affected with SH3KBP1-related conditions. ClinVar contains an entry for this variant (Variation ID: 2366914). Advanced modeling of protein sequence and biophysical properties (such as structural, functional, and spatial information, amino acid conservation, physicochemical variation, residue mobility, and thermodynamic stability) performed at Invitae indicates that this missense variant is expected to disrupt SH3KBP1 protein function with a positive predictive value of 80%. In summary, the available evidence is currently insufficient to determine the role of this variant in disease. Therefore, it has been classified as a Variant of Uncertain Significance.

Ambry Genetics
Classification: Uncertain significance. Last evaluated: 2022-06-27. Review status: criteria provided, single submitter. Criteria: Ambry Variant Classification Scheme 2023. Collection method: clinical testing. Allele origin: germline.

NM_031892.3(SH3KBP1):c.937G>A (p.Gly313Ser)

Gene: SH3KBP1 (SH3 domain containing kinase binding protein 1; minus strand). Cytogenetic location: Xp22.12.
Variant type: single nucleotide variant.
Coding change: c.937G>A on transcript NM_031892.3 (MANE Select); coding-DNA position 937, G replaced by A.
Protein change: p.Gly313Ser; replaces glycine 313 with serine.
Molecular consequence: missense variant.
Genome position (GRCh38, 1-based): chrX:19,608,006, C>T on the plus strand (G>A on the coding strand, the complement: SH3KBP1 is on the minus strand). VCF-style: chrX-19608006-C-T. GRCh37 (hg19) VCF-style: chrX-19626124-C-T.
Other names: c.826G>A, p.Gly276Ser (NM_001024666.3); c.223G>A, p.Gly75Ser (NM_001184960.2, NM_001353897.2); c.937G>A, p.Gly313Ser (NM_001353890.2); c.1012G>A, p.Gly338Ser (NM_001353891.2, NM_001353892.2); c.835G>A, p.Gly279Ser (NM_001353893.2, NM_001353894.2); c.892G>A, p.Gly298Ser (NM_001353895.2); c.1069G>A, p.Gly357Ser (NM_001410756.1, NM_001410757.1); c.760G>A, p.Gly254Ser (NM_001410758.1); and 1 more; short protein forms G254S, G276S, G279S, G298S, G313S, G338S, G357S, G75S.
Identifiers: ClinVar variation 2366914 (VCV002366914.6), dbSNP rs201337827, ClinGen allele CA10364686.
Genomic context (GRCh38, chrX:19,608,006, plus strand): 5'-CCTTTTCAAAGTCCGGTGGAAGTAACTTCACGAAGTTATCGGGGAACACGCCTCGTCTGC[C>T]GTTCAGCTCTCCTTCCCACCAGCCTACGTCGATGCAGTCCTAGAAAACAGGAGAACAGAG-3'
Protein context (NP_114098.1, residues 303-323): DVGWWEGELN[Gly313Ser]RRGVFPDNFV